The following is an entry in ClinVar:

ClinVar aggregate classification (germline): Pathogenic. Review status: criteria provided, multiple submitters, no conflicts (2 of 4 stars). 2 submissions from 2 submitters: Pathogenic (2). Last evaluated 2025-10-01.

Conditions:
Osteogenesis imperfecta type I (OI1). Also called: Classic Non-deforming Osteogenesis Imperfecta with Blue Sclerae; OI, TYPE I; OSTEOGENESIS IMPERFECTA TARDA; OSTEOGENESIS IMPERFECTA WITH BLUE SCLERAE; Osteogenesis imperfecta type 1; Lobstein's Disease. Identifiers: Orphanet 216796, Orphanet 666, MedGen C0023931, MONDO:0008146, OMIM 166200. Disease mechanism: loss of function.

Submissions (2):

GeneDx
Classification: Pathogenic. Last evaluated: 2025-10-01. Review status: criteria provided, single submitter. Criteria: GeneDx Variant Classification Process June 2021. Collection method: clinical testing. Allele origin: germline. Affected: yes.
Comment: Canonical splice site variant predicted to result in a null allele in a gene for which loss of function is a known mechanism of disease; Not observed at significant frequency in large population cohorts (gnomAD); This variant is associated with the following publications: (PMID: 25963598)

Labcorp Genetics (formerly Invitae), Labcorp
Classification: Pathogenic for Osteogenesis imperfecta type I. Last evaluated: 2021-05-18. Review status: criteria provided, single submitter. Criteria: Invitae Variant Classification Sherloc (09022015). Collection method: clinical testing. Allele origin: germline.
Comment: For these reasons, this variant has been classified as Pathogenic. Algorithms developed to predict the effect of sequence changes on RNA splicing suggest that this variant may disrupt the consensus splice site, but this prediction has not been confirmed by published transcriptional studies. Disruption of this splice site has been observed in individual(s) with osteogenesis imperfecta (PMID: 25963598). This variant is not present in population databases (ExAC no frequency). This sequence change affects a donor splice site in intron 48 of the COL1A1 gene. It is expected to disrupt RNA splicing. Variants that disrupt the donor or acceptor splice site typically lead to a loss of protein function (PMID: 16199547), and loss-of-function variants in COL1A1 are known to be pathogenic (PMID: 7942841, 9295084, 9443882).

Literature cited by the submitters: PubMed 25963598 (cited by Labcorp Genetics (formerly Invitae), Labcorp); PubMed 16199547 (cited by Labcorp Genetics (formerly Invitae), Labcorp); PubMed 7942841 (cited by Labcorp Genetics (formerly Invitae), Labcorp); PubMed 9295084 (cited by Labcorp Genetics (formerly Invitae), Labcorp); PubMed 9443882 (cited by Labcorp Genetics (formerly Invitae), Labcorp).

NM_000088.4(COL1A1):c.3814+2T>C

Gene: COL1A1 (collagen type I alpha 1 chain; minus strand). Cytogenetic location: 17q21.33.
Variant type: single nucleotide variant.
Coding change: c.3814+2T>C on transcript NM_000088.4 (MANE Select); the canonical splice donor site of the intron after coding-DNA position 3814, T replaced by C.
Molecular consequence: splice donor variant.
Genome position (GRCh38, 1-based): chr17:50,186,638, A>G on the plus strand (T>C on the coding strand, the complement: COL1A1 is on the minus strand). VCF-style: chr17-50186638-A-G. GRCh37 (hg19) VCF-style: chr17-48263999-A-G.
Identifiers: ClinVar variation 1430883 (VCV001430883.9), dbSNP rs112830882, ClinGen allele CA400195828.